The following is an entry in ClinVar:

ClinVar aggregate classification (germline): Uncertain significance. Review status: criteria provided, multiple submitters, no conflicts (2 of 4 stars). 2 submissions from 2 submitters: Uncertain significance (2). Last evaluated 2025-11-17.

Conditions:
SCLT1-related disorder. Also called: SCLT1-related condition.

Submissions (2):

PreventionGenetics, part of Exact Sciences
Classification: Uncertain significance for SCLT1-related condition. Last evaluated: 2025-11-17. Review status: criteria provided, single submitter. Criteria: ACMG Guidelines, 2015. Collection method: clinical testing. Allele origin: germline.
Comment: The SCLT1 c.1898A>T variant is predicted to result in the amino acid substitution p.Lys633Met. To our knowledge, this variant has not been reported in the literature or in a large population database (gnomAD), indicating this variant is rare. At this time, the clinical significance of this variant is uncertain due to the absence of conclusive functional and genetic evidence.

Labcorp Genetics (formerly Invitae), Labcorp
Classification: Uncertain significance. Last evaluated: 2025-01-27. Review status: criteria provided, single submitter. Criteria: Invitae Variant Classification Sherloc (09022015). Collection method: clinical testing. Allele origin: germline.
Comment: This sequence change replaces lysine, which is basic and polar, with methionine, which is neutral and non-polar, at codon 633 of the SCLT1 protein (p.Lys633Met). This variant is not present in population databases (gnomAD no frequency). This variant has not been reported in the literature in individuals affected with SCLT1-related conditions. ClinVar contains an entry for this variant (Variation ID: 1468001). An algorithm developed to predict the effect of missense changes on protein structure and function (PolyPhen-2) suggests that this variant is likely to be disruptive. In summary, the available evidence is currently insufficient to determine the role of this variant in disease. Therefore, it has been classified as a Variant of Uncertain Significance.

NM_144643.4(SCLT1):c.1898A>T (p.Lys633Met)

Gene: SCLT1 (sodium channel and clathrin linker 1; minus strand). Cytogenetic location: 4q28.2.
Variant type: single nucleotide variant.
Coding change: c.1898A>T on transcript NM_144643.4 (MANE Select); coding-DNA position 1898, A replaced by T.
Protein change: p.Lys633Met; replaces lysine 633 with methionine.
Molecular consequence: missense variant.
Genome position (GRCh38, 1-based): chr4:128,891,069, T>A on the plus strand (A>T on the coding strand, the complement: SCLT1 is on the minus strand). VCF-style: chr4-128891069-T-A. GRCh37 (hg19) VCF-style: chr4-129812224-T-A.
Other names: c.1898A>T (NM_144643.3); short protein forms K633M.
Identifiers: ClinVar variation 1468001 (VCV001468001.7), dbSNP rs1733275359, ClinGen allele CA358188169.